The following is an entry in ClinVar:

ClinVar aggregate classification (germline): Uncertain significance (1 of 4 stars; one submission).

Conditions:
FG syndrome (FGS). Identifiers: MedGen C0220769, MONDO:0002010.

Submission:

Labcorp Genetics (formerly Invitae), Labcorp
Classification: Uncertain significance for FG syndrome. Last evaluated: 2025-04-29. Review status: criteria provided, single submitter. Criteria: Invitae Variant Classification Sherloc (09022015). Collection method: clinical testing. Allele origin: germline.
Comment: This variant, c.6318_6338dup, results in the insertion of 7 amino acid(s) of the MED12 protein (p.Gln2109_Gln2115dup), but otherwise preserves the integrity of the reading frame. The frequency data for this variant in the population databases is considered unreliable, as metrics indicate poor data quality at this position in the gnomAD database. This variant has not been reported in the literature in individuals affected with MED12-related conditions. Experimental studies and prediction algorithms are not available or were not evaluated, and the functional significance of this variant is currently unknown. In summary, the available evidence is currently insufficient to determine the role of this variant in disease. Therefore, it has been classified as a Variant of Uncertain Significance.

NM_005120.3(MED12):c.6297GCAGCAGCAGCAACAGCAACA[3] (p.Gln2109_Gln2115dup)

Gene: MED12 (mediator complex subunit 12; plus strand). Cytogenetic location: Xq13.1.
Variant type: Microsatellite.
Coding change: c.6297GCAGCAGCAGCAACAGCAACA[3] on transcript NM_005120.3 (MANE Select); three copies in a row of the 21-base unit GCAGCAGCAGCAACAGCAACA starting at c.6297; the reference has two copies in a row; one copy, 21 bases duplicated.
Protein change: p.Gln2109_Gln2115dup.
Molecular consequence: inframe insertion.
Genome position (GRCh38, 1-based): chrX:71,141,280-71,141,300, GCAGCAGCAGCAACAGCAACA duplicated; duplicating any 21 consecutive bases within chrX:71,141,257-71,141,300 gives the same sequence; the position shown is the placement nearest the transcript's 3' end. VCF-style (leftmost placement, unchanged base first): chrX-71141256-G-GCAGCAGCAGCAGCAACAGCAA. GRCh37 (hg19) VCF-style: chrX-70361106-G-GCAGCAGCAGCAGCAACAGCAA.
Identifiers: ClinVar variation 1003865 (VCV001003865.9), dbSNP rs1425637621, ClinGen allele CA641958670.